The following is an entry in ClinVar:

ClinVar aggregate classification (germline): Pathogenic (1 of 4 stars; one submission).

Submission:

Labcorp Genetics (formerly Invitae), Labcorp
Classification: Pathogenic. Last evaluated: 2023-03-26. Review status: criteria provided, single submitter. Criteria: Invitae Variant Classification Sherloc (09022015). Collection method: clinical testing. Allele origin: germline.
Comment: This sequence change creates a premature translational stop signal (p.Glu316*) in the TRMU gene. It is expected to result in an absent or disrupted protein product. Loss-of-function variants in TRMU are known to be pathogenic (PMID: 19732863, 23625533). This variant is not present in population databases (gnomAD no frequency). For these reasons, this variant has been classified as Pathogenic. This variant has not been reported in the literature in individuals affected with TRMU-related conditions.

Literature cited by the submitters: PubMed 19732863; PubMed 23625533.

NM_018006.5(TRMU):c.946G>T (p.Glu316Ter)

Gene: TRMU (tRNA mitochondrial 2-thiouridylase; plus strand). Cytogenetic location: 22q13.31.
Variant type: single nucleotide variant.
Coding change: c.946G>T on transcript NM_018006.5 (MANE Select); coding-DNA position 946, G replaced by T.
Protein change: p.Glu316Ter; replaces glutamic acid 316 with a stop codon.
Molecular consequence: nonsense. On other transcripts: non-coding transcript variant (2).
Genome position (GRCh38, 1-based): chr22:46,355,516, G>T. VCF-style: chr22-46355516-G-T. GRCh37 (hg19) VCF-style: chr22-46751413-G-T.
Other names: c.*390G>T (NM_001008568.2); c.*484G>T (NM_001008570.2); c.604G>T, p.Glu202Ter (NM_001282782.2); c.526G>T, p.Glu176Ter (NM_001282783.2, NM_001282784.2); c.946G>T, p.Glu316Ter (NM_001282785.2); short protein forms E202*, E316*, E176*.
Identifiers: ClinVar variation 2849923 (VCV002849923.3), dbSNP rs2518211501, ClinGen allele CA411916271.